The following is an entry in ClinVar:

ClinVar aggregate classification (germline): Uncertain significance. Review status: criteria provided, multiple submitters, no conflicts (2 of 4 stars). 2 submissions from 2 submitters: Uncertain significance (2). Last evaluated 2026-01-12.

Conditions:
Hypercholesterolemia, autosomal dominant, 3 (FHCL3). Also called: Familial Hypercholesterolemia, Autosomal Dominant, 3; Familial hypercholesterolemia 3; PCSK9-Related Familial Hypercholesterolemia, Autosomal Dominant. Identifiers: MedGen C1863551, MONDO:0011369, OMIM 603776.
Cardiovascular phenotype. Identifiers: MedGen CN230736.

Submissions (2):

Ambry Genetics
Classification: Uncertain significance for Cardiovascular phenotype. Last evaluated: 2026-01-12. Review status: criteria provided, single submitter. Criteria: Ambry Variant Classification Scheme 2023. Collection method: clinical testing. Allele origin: germline.
Comment: The p.S376T variant (also known as c.1127G>C), located in coding exon 7 of the PCSK9 gene, results from a G to C substitution at nucleotide position 1127. The serine at codon 376 is replaced by threonine, an amino acid with similar properties. This amino acid position is conserved. In addition, this alteration is predicted to be tolerated by in silico analysis. Based on the available evidence, the clinical significance of this variant remains unclear.

All of Us Research Program, National Institutes of Health
Classification: Uncertain significance for Hypercholesterolemia, autosomal dominant, 3. Last evaluated: 2024-02-05. Review status: criteria provided, single submitter. Criteria: ACMG Guidelines, 2015. Collection method: clinical testing. Allele origin: germline. Inheritance: Autosomal dominant inheritance. Observed: 2 variant alleles, 2 heterozygotes.
Comment: This missense variant replaces serine with threonine at codon 376 of the PCSK9 protein. Computational prediction suggests that this variant may not impact protein structure and function (internally defined REVEL score threshold <= 0.5, PMID: 27666373). To our knowledge, functional studies have not been reported for this variant. This variant has not been reported in individuals affected with PCSK9-related disorders in the literature. This variant has not been identified in the general population by the Genome Aggregation Database (gnomAD). The available evidence is insufficient to determine the role of this variant in disease conclusively. Therefore, this variant is classified as a Variant of Uncertain Significance.

This study involves interpretation of variants in research participants for the purpose of population health screening. Participant phenotype was not available at the time of variant classification. Additional details can be found in publication PMID: 35346344, PMCID: PMC8962531

NM_174936.4(PCSK9):c.1127G>C (p.Ser376Thr)

Gene: PCSK9 (proprotein convertase subtilisin/kexin type 9; plus strand). Cytogenetic location: 1p32.3.
Variant type: single nucleotide variant.
Coding change: c.1127G>C on transcript NM_174936.4 (MANE Select); coding-DNA position 1127, G replaced by C.
Protein change: p.Ser376Thr; replaces serine 376 with threonine.
Molecular consequence: missense variant. On other transcripts: non-coding transcript variant (8).
Genome position (GRCh38, 1-based): chr1:55,057,461, G>C. VCF-style: chr1-55057461-G-C. GRCh37 (hg19) VCF-style: chr1-55523134-G-C.
Other names: c.1250G>C, p.Ser417Thr (NM_001407240.1); c.1127G>C, p.Ser376Thr (NM_001407241.1, NM_001407244.1, NM_001407247.1); c.1130G>C, p.Ser377Thr (NM_001407242.1); c.1070G>C, p.Ser357Thr (NM_001407243.1); c.935G>C, p.Ser312Thr (NM_001407245.1); c.752G>C, p.Ser251Thr (NM_001407246.1); short protein forms S251T, S312T, S357T, S376T, S377T, S417T.
Identifiers: ClinVar variation 3072055 (VCV003072055.2), dbSNP rs2523255210, ClinGen allele CA340476771.